The following is an entry in ClinVar:

NM_003849.4(SUCLG1):c.601A>G (p.Arg201Gly)

Gene: SUCLG1 (succinate-CoA ligase GDP/ADP-forming subunit alpha; minus strand). Cytogenetic location: 2p11.2.
Variant type: single nucleotide variant.
Coding change: c.601A>G on transcript NM_003849.4 (MANE Select); coding-DNA position 601, A replaced by G.
Protein change: p.Arg201Gly; replaces arginine 201 with glycine.
Molecular consequence: missense variant.
Genome position (GRCh38, 1-based): chr2:84,433,424, T>C on the plus strand (A>G on the coding strand, the complement: SUCLG1 is on the minus strand). VCF-style: chr2-84433424-T-C. GRCh37 (hg19) VCF-style: chr2-84660548-T-C.
Other names: short protein forms R201G.
Identifiers: ClinVar variation 2051794 (VCV002051794.4), dbSNP rs747549375, ClinGen allele CA1736242.

ClinVar aggregate classification (germline): Uncertain significance (1 of 4 stars; one submission).

Conditions:
Mitochondrial DNA depletion syndrome 9 (MTDPS9). Also called: SUCLG1-Related Mitochondrial DNA Depletion Syndrome, Encephalomyopathic Form with Methylmalonic Aciduria. Identifiers: Orphanet 17, MedGen C3151476, MONDO:0009504, OMIM 245400.

Allele frequency attached by ClinVar (database versions not stated): gnomAD exomes below 0.00001; gnomAD 0.00001; TOPMed 0.00001; ExAC 0.00003.
gnomAD v4.1: 6 of 1,613,728 alleles (0.00037%); highest among the groups gnomAD compares: East Asian, 0.0089%; no homozygotes.

Submission:

Labcorp Genetics (formerly Invitae), Labcorp
Classification: Uncertain significance for Mitochondrial DNA depletion syndrome 9. Last evaluated: 2022-07-26. Review status: criteria provided, single submitter. Criteria: Invitae Variant Classification Sherloc (09022015). Collection method: clinical testing. Allele origin: germline.
Comment: In summary, the available evidence is currently insufficient to determine the role of this variant in disease. Therefore, it has been classified as a Variant of Uncertain Significance. Algorithms developed to predict the effect of missense changes on protein structure and function (SIFT, PolyPhen-2, Align-GVGD) all suggest that this variant is likely to be disruptive. This missense change has been observed in individual(s) with acute liver failure (PMID: 34023347). This variant is present in population databases (rs747549375, gnomAD 0.02%). This sequence change replaces arginine, which is basic and polar, with glycine, which is neutral and non-polar, at codon 201 of the SUCLG1 protein (p.Arg201Gly).

Literature cited by the submitters: PubMed 34023347.